The following is an entry in ClinVar:

ClinVar aggregate classification (germline): Benign/Likely benign. Review status: criteria provided, multiple submitters, no conflicts (2 of 4 stars). 6 submissions from 6 submitters: Benign (1); Likely benign (4). 1 of the submissions does not count toward it. Last evaluated 2026-07-02.

Conditions:
Sessile serrated polyposis cancer syndrome (SSPCS). Identifiers: Orphanet 157798, MedGen C4310714, MONDO:0014919, OMIM 617108.
RNF43-related disorder. Also called: RNF43-related condition.

Allele frequency attached by ClinVar (database versions not stated): TOPMed below 0.00001; gnomAD 0.00001.
gnomAD v4.1: 6 of 1,614,106 alleles (0.00037%); highest among the groups gnomAD compares: African/African-American, 0.0013%; no homozygotes.

Submissions (6):

Myriad Genetics, Inc.
Classification: Benign for Sessile serrated polyposis cancer syndrome. Last evaluated: 2026-07-02. Review status: criteria provided, single submitter. Criteria: Myriad Autosomal Dominant, Autosomal Recessive and X-Linked Classification Criteria (2023). Collection method: clinical testing. Allele origin: unknown.
Comment: This variant is considered benign. This variant is a silent/synonymous amino acid change and it is not expected to impact splicing.

Center for Genomic Medicine, Rigshospitalet, Copenhagen University Hospital
Classification: Likely benign. Last evaluated: 2025-03-04. Review status: criteria provided, single submitter. Criteria: ACMG Guidelines, 2015. Collection method: clinical testing. Allele origin: germline.

Ambry Genetics
Classification: Likely benign. Last evaluated: 2025-02-02. Review status: criteria provided, single submitter. Criteria: Ambry Variant Classification Scheme 2023. Collection method: clinical testing. Allele origin: germline.

Blueprint Genetics
Classification: Likely benign. Last evaluated: 2024-11-25. Review status: criteria provided, single submitter. Criteria: ACMG Guidelines, 2015. Collection method: clinical testing. Allele origin: germline.

Labcorp Genetics (formerly Invitae), Labcorp
Classification: Likely benign. Last evaluated: 2024-10-09. Review status: criteria provided, single submitter. Criteria: Invitae Variant Classification Sherloc (09022015). Collection method: clinical testing. Allele origin: germline.

PreventionGenetics, part of Exact Sciences
Classification: Likely benign for RNF43-related condition. Last evaluated: 2019-05-02. Review status: no assertion criteria provided. Collection method: clinical testing. Allele origin: germline. Not counted in ClinVar's aggregate classification.
Comment: This variant is classified as likely benign based on ACMG/AMP sequence variant interpretation guidelines (Richards et al. 2015 PMID: 25741868, with internal and published modifications).

NM_017763.6(RNF43):c.2298G>A (p.Ser766=)

Gene: RNF43 (ring finger protein 43; minus strand). Cytogenetic location: 17q22.
Variant type: single nucleotide variant.
Coding change: c.2298G>A on transcript NM_017763.6 (MANE Select); coding-DNA position 2298, G replaced by A.
Protein change: p.Ser766=; no amino-acid change (serine 766 retained).
Molecular consequence: synonymous variant.
Genome position (GRCh38, 1-based): chr17:58,357,478, C>T on the plus strand (G>A on the coding strand, the complement: RNF43 is on the minus strand). VCF-style: chr17-58357478-C-T. GRCh37 (hg19) VCF-style: chr17-56434839-C-T.
Other names: c.2298G>A (NM_017763.4); c.2298G>A, p.Ser766= (NM_001305544.3); c.1917G>A, p.Ser639= (NM_001305545.2).
Identifiers: ClinVar variation 3037597 (VCV003037597.9), dbSNP rs1203633419, ClinGen allele CA501320478.
Genomic context (GRCh38, chr17:58,357,478, plus strand): 5'-CAGCTGTAGTCTCCTCTCCCTACCACACCCACTTCCCTCTGAAAACTCACCAGGCTGGGC[C>T]GACAGCACCTGGCAGTGCGGATAAGGGCATGGCCTGCCCTCTGCGGTGTCAGAACTCCAT-3'
Protein context (NP_060233.3, residues 756-776): PCPYPHCQVL[Ser766=]AQPGSEEELE